The following is an entry in ClinVar:

NM_000384.3(APOB):c.10902A>T (p.Lys3634Asn)

Gene: APOB (apolipoprotein B; minus strand). Cytogenetic location: 2p24.1.
Variant type: single nucleotide variant.
Coding change: c.10902A>T on transcript NM_000384.3 (MANE Select); coding-DNA position 10902, A replaced by T.
Protein change: p.Lys3634Asn; replaces lysine 3634 with asparagine.
Molecular consequence: missense variant.
Genome position (GRCh38, 1-based): chr2:21,005,966, T>A on the plus strand (A>T on the coding strand, the complement: APOB is on the minus strand). VCF-style: chr2-21005966-T-A. GRCh37 (hg19) VCF-style: chr2-21228838-T-A.
Other names: short protein forms K3634N.
Identifiers: ClinVar variation 4792783 (VCV004792783.1).

ClinVar aggregate classification (germline): Uncertain significance (1 of 4 stars; one submission).

Conditions:
Familial hypobetalipoproteinemia 1. Also called: Hypobetalipoproteinemia, normotriglyceridemic; Acanthocytosis with hypobetalipoproteinemia; APOB-Related Familial Hypobetalipoproteinemia. Identifiers: MedGen C4551990, MONDO:0014252, OMIM 615558.
Hypercholesterolemia, autosomal dominant, type B (FHCL2). Also called: Familial Hypercholesterolemia Type B; APOLIPOPROTEIN B-100, FAMILIAL DEFECTIVE; APOLIPOPROTEIN B-100, FAMILIAL LIGAND-DEFECTIVE; HYPERCHOLESTEROLEMIA, FAMILIAL, DUE TO LIGAND-DEFECTIVE APOLIPOPROTEIN B; APOB-Related Familial Hypercholesterolemia, Autosomal Dominant; Hyperlipoproteinemia Type IIb. Identifiers: MedGen C1704417, MONDO:0007751, OMIM 144010.

gnomAD v4.1: 1 of 1,613,922 alleles (0.000062%); no homozygotes.

Submission:

Labcorp Genetics (formerly Invitae), Labcorp
Classification: Uncertain significance for Familial hypobetalipoproteinemia 1; Hypercholesterolemia, autosomal dominant, type B. Last evaluated: 2025-03-27. Review status: criteria provided, single submitter. Criteria: Invitae Variant Classification Sherloc (09022015). Collection method: clinical testing. Allele origin: germline.
Comment: This sequence change replaces lysine, which is basic and polar, with asparagine, which is neutral and polar, at codon 3634 of the APOB protein (p.Lys3634Asn). This variant is not present in population databases (gnomAD no frequency). This variant has not been reported in the literature in individuals affected with APOB-related conditions. Invitae Evidence Modeling of protein sequence and biophysical properties (such as structural, functional, and spatial information, amino acid conservation, physicochemical variation, residue mobility, and thermodynamic stability) indicates that this missense variant is not expected to disrupt APOB protein function with a negative predictive value of 95%. In summary, the available evidence is currently insufficient to determine the role of this variant in disease. Therefore, it has been classified as a Variant of Uncertain Significance.